The following is an entry in ClinVar:

ClinVar aggregate classification (germline): Uncertain significance (1 of 4 stars; one submission).

Conditions:
Hereditary cancer-predisposing syndrome. Also called: Neoplastic Syndromes, Hereditary; Tumor predisposition; Hereditary Cancer Syndrome; Hereditary neoplastic syndrome. Identifiers: Orphanet 140162, MedGen C0027672, MeSH D009386, MONDO:0015356.

Submission:

Ambry Genetics
Classification: Uncertain significance for Hereditary cancer-predisposing syndrome. Last evaluated: 2025-11-05. Review status: criteria provided, single submitter. Criteria: Ambry Variant Classification Scheme 2023. Collection method: clinical testing. Allele origin: germline.
Comment: The c.-30-2_-30-5delTACA intronic variant results from a deletion of four nucleotides between positions c.-30-5 and c.-30-2 and involves the canonical splice donor site before coding exon 1 of the ATM gene. This nucleotide region is well conserved in available vertebrate species. In silico splice site analysis predicts that this alteration will weaken the native splice acceptor site and may result in the creation or strengthening of a novel splice acceptor site. RNA studies have demonstrated that this alteration results in a splice defect; the clinical impact of this abnormal splicing is unknown at this time (Ambry internal data). Since supporting evidence is limited at this time, the clinical significance of this alteration remains unclear.

NM_000051.4(ATM):c.-30-5_-30-2del

Gene: ATM (ATM serine/threonine kinase; plus strand). Cytogenetic location: 11q22.3.
Variant type: Deletion.
Coding change: c.-30-5_-30-2del on transcript NM_000051.4 (MANE Select); 5 bases into the intron before 30 bases upstream of the start codon through the canonical splice acceptor site of the intron before 30 bases upstream of the start codon, 4 bases deleted (TACA; older notation c.-30-5_-30-2delTACA).
Molecular consequence: splice acceptor variant.
Genome position (GRCh38, 1-based): chr11:108,227,590-108,227,593, TACA deleted. VCF-style (leftmost placement, unchanged base first): chr11-108227589-TTACA-T. GRCh37 (hg19) VCF-style: chr11-108098316-TTACA-T.
Other names: c.-30-5_-30-2del (NM_001351834.2, NM_001351835.2, NM_001351836.2).
Identifiers: ClinVar variation 4618182 (VCV004618182.1).